The following is an entry in ClinVar:

ClinVar aggregate classification (germline): Likely pathogenic (1 of 4 stars; one submission).

Conditions:
Pitt-Hopkins syndrome (PTHS). Also called: ENCEPHALOPATHY, SEVERE EPILEPTIC, WITH AUTONOMIC DYSFUNCTION; MENTAL RETARDATION, SYNDROMAL, WITH INTERMITTENT HYPERVENTILATION. Identifiers: Orphanet 2896, MedGen C1970431, MONDO:0012589, OMIM 610954.

Submission:

MGZ Medical Genetics Center
Classification: Likely pathogenic for Pitt-Hopkins syndrome. Last evaluated: 2022-02-09. Review status: criteria provided, single submitter. Criteria: ACMG Guidelines, 2015. Collection method: clinical testing. Allele origin: germline. Affected: yes. Observed: 1 variant allele.
Comment: ACMG criteria applied: PVS1, PM2_SUP

NM_001083962.2(TCF4):c.1351-1G>C

Genes: TCF4 (transcription factor 4; minus strand), LOC121627832 (Sharpr-MPRA regulatory region 5538; plus strand). Cytogenetic location: 18q21.2.
Variant type: single nucleotide variant.
Coding change: c.1351-1G>C on transcript NM_001083962.2 (MANE Select); the canonical splice acceptor site of the intron before coding-DNA position 1351, G replaced by C.
Molecular consequence: splice acceptor variant.
Genome position (GRCh38, 1-based): chr18:55,234,684, C>G on the plus strand (G>C on the coding strand, the complement: TCF4 is on the minus strand). VCF-style: chr18-55234684-C-G. GRCh37 (hg19) VCF-style: chr18-52901915-C-G.
Other names: c.1657-1G>C (NM_001243226.3); c.1276-1G>C (NM_001369584.1, NM_001369576.1, NM_001369577.1 and 6 more transcripts); c.1279-1G>C (NM_001369582.1, NM_001243227.2, NM_001369583.1 and 5 more transcripts); c.1282-1G>C (NM_001369586.1); c.1351-1G>C (NM_001369571.1, NM_001369567.1, NM_001369572.1 and 2 more transcripts); c.1369-1G>C (NM_001243228.2); c.1342-1G>C (NM_001243230.2); c.1348-1G>C (NM_001369569.1, NM_001369573.1, NM_001369570.1 and 2 more transcripts); and 6 more.
Identifiers: ClinVar variation 1709057 (VCV001709057.2), dbSNP rs2511637591, ClinGen allele CA402532158.